The following is an entry in ClinVar:

ClinVar aggregate classification (germline): Uncertain significance (1 of 4 stars; one submission).

Submission:

GeneDx
Classification: Uncertain significance. Last evaluated: 2019-03-24. Review status: criteria provided, single submitter. Criteria: GeneDx Variant Classification Process June 2021. Collection method: clinical testing. Allele origin: germline. Affected: yes.
Comment: Not observed in large population cohorts (Lek et al., 2016); Frameshift variant predicted to result in protein truncation as the last 20 amino acids are lost and replaced with 18 incorrect amino acids, although loss-of-function variants have not been reported downstream of this position in the protein; Has not been previously published as pathogenic or benign to our knowledge

NM_003590.5(CUL3):c.2242del (p.Ile749fs)

Gene: CUL3 (cullin 3; minus strand). Cytogenetic location: 2q36.2.
Variant type: Deletion.
Coding change: c.2242del on transcript NM_003590.5 (MANE Select); coding-DNA position 2242, one base deleted (C; older notation c.2242delC).
Protein change: p.Ile749fs; shifts the reading frame from isoleucine 749.
Molecular consequence: frameshift variant.
Genome position (GRCh38, 1-based): chr2:224,474,310, G deleted on the plus strand (C on the coding strand, the reverse complement: CUL3 is on the minus strand). VCF-style (leftmost placement, unchanged base first): chr2-224474309-AG-A. GRCh37 (hg19) VCF-style: chr2-225339026-AG-A.
Other names: c.2044del, p.Ile683fs (NM_001257197.2); c.2260del, p.Ile755fs (NM_001257198.2); short protein forms I683fs, I749fs, I755fs.
Identifiers: ClinVar variation 1307854 (VCV001307854.2), dbSNP rs2106133347, ClinGen allele CA2573051870.